The following is an entry in ClinVar:

NM_002972.4(SBF1):c.3334C>T (p.Pro1112Ser)

Gene: SBF1 (SET binding factor 1; minus strand). Cytogenetic location: 22q13.33.
Variant type: single nucleotide variant.
Coding change: c.3334C>T on transcript NM_002972.4 (MANE Select); coding-DNA position 3334, C replaced by T.
Protein change: p.Pro1112Ser; replaces proline 1112 with serine.
Molecular consequence: missense variant.
Genome position (GRCh38, 1-based): chr22:50,460,109, G>A on the plus strand (C>T on the coding strand, the complement: SBF1 is on the minus strand). VCF-style: chr22-50460109-G-A. GRCh37 (hg19) VCF-style: chr22-50898538-G-A.
Other names: c.3337C>T, p.Pro1113Ser (NM_001365819.1); c.3334C>T (NM_002972.2); short protein forms P1112S, P1113S.
Identifiers: ClinVar variation 1381933 (VCV001381933.4), dbSNP rs183944303, ClinGen allele CA10316753.

ClinVar aggregate classification (germline): Uncertain significance. Review status: criteria provided, multiple submitters, no conflicts (2 of 4 stars). 2 submissions from 2 submitters: Uncertain significance (2). Last evaluated 2024-08-05.

Allele frequency attached by ClinVar (database versions not stated): gnomAD exomes 0.00002; ExAC 0.00005; gnomAD 0.00008; TOPMed 0.00008; 1000 Genomes Project 0.00020; 1000 Genomes Project 30x 0.00031; ESP Exome Variant Server 0.00031.
gnomAD v4.1: 33 of 1,613,394 alleles (0.002%); highest among the groups gnomAD compares: African/African-American, 0.029%; no homozygotes.

Submissions (2):

Ambry Genetics
Classification: Uncertain significance. Last evaluated: 2024-08-05. Review status: criteria provided, single submitter. Criteria: Ambry Variant Classification Scheme 2023. Collection method: clinical testing. Allele origin: germline.

Labcorp Genetics (formerly Invitae), Labcorp
Classification: Uncertain significance. Last evaluated: 2022-04-12. Review status: criteria provided, single submitter. Criteria: Invitae Variant Classification Sherloc (09022015). Collection method: clinical testing. Allele origin: germline.
Comment: This sequence change replaces proline, which is neutral and non-polar, with serine, which is neutral and polar, at codon 1112 of the SBF1 protein (p.Pro1112Ser). This variant is present in population databases (rs183944303, gnomAD 0.04%). This variant has not been reported in the literature in individuals affected with SBF1-related conditions. Algorithms developed to predict the effect of missense changes on protein structure and function (SIFT, PolyPhen-2, Align-GVGD) all suggest that this variant is likely to be tolerated. In summary, the available evidence is currently insufficient to determine the role of this variant in disease. Therefore, it has been classified as a Variant of Uncertain Significance.